The following is an entry in ClinVar:

NM_000135.4(FANCA):c.1507T>C (p.Tyr503His)

Gene: FANCA (FA complementation group A; minus strand). Cytogenetic location: 16q24.3.
Variant type: single nucleotide variant.
Coding change: c.1507T>C on transcript NM_000135.4 (MANE Select); coding-DNA position 1507, T replaced by C.
Protein change: p.Tyr503His; replaces tyrosine 503 with histidine.
Molecular consequence: missense variant.
Genome position (GRCh38, 1-based): chr16:89,783,066, A>G on the plus strand (T>C on the coding strand, the complement: FANCA is on the minus strand). VCF-style: chr16-89783066-A-G. GRCh37 (hg19) VCF-style: chr16-89849474-A-G.
Other names: c.1507T>C, p.Tyr503His (NM_001286167.3); short protein forms Y503H.
Identifiers: ClinVar variation 4254270 (VCV004254270.1).
Genomic context (GRCh38, chr16:89,783,066, plus strand): 5'-CCTTGAGGTCGGCCAGCCGTGTCTTGGCCAATGAGATGTAGTCTGTGAGGAGGGAGCGGT[A>G]CTTGCCGGGAACCAGGGGTGGGTGGAGAATGTGCACCTGAGGATAGATAGCAGAGCGCAG-3'
Protein context (NP_000126.2, residues 493-513): ILHPPLVPGK[Tyr503His]RSLLTDYISL

ClinVar aggregate classification (germline): Uncertain significance (1 of 4 stars; one submission).

Conditions:
Inborn genetic diseases. Identifiers: MedGen C0950123, MeSH D030342.

gnomAD v4.1: 1 of 1,613,964 alleles (0.000062%); highest among the groups gnomAD compares: South Asian, 0.0011%; no homozygotes.

Submission:

Ambry Genetics
Classification: Uncertain significance for Inborn genetic diseases. Last evaluated: 2025-08-08. Review status: criteria provided, single submitter. Criteria: Ambry Variant Classification Scheme 2023. Collection method: clinical testing. Allele origin: germline.
Comment: The p.Y503H variant (also known as c.1507T>C), located in coding exon 16 of the FANCA gene, results from a T to C substitution at nucleotide position 1507. The tyrosine at codon 503 is replaced by histidine, an amino acid with similar properties. This amino acid position is conserved. In addition, this alteration is predicted to be tolerated by in silico analysis. Based on the available evidence, the clinical significance of this variant remains unclear.